The following is an entry in ClinVar:

ClinVar aggregate classification (germline): Conflicting classifications of pathogenicity. Review status: criteria provided, conflicting classifications (1 of 4 stars). 2 submissions from 2 submitters: Uncertain significance (1); Likely benign (1). Last evaluated 2026-01-14.

Conditions:
Inborn genetic diseases. Identifiers: MedGen C0950123, MeSH D030342.

Allele frequency attached by ClinVar (database versions not stated): ExAC 0.00001; gnomAD exomes below 0.00001.

Submissions (2):

Labcorp Genetics (formerly Invitae), Labcorp
Classification: Uncertain significance. Last evaluated: 2026-01-14. Review status: criteria provided, single submitter. Criteria: Invitae Variant Classification Sherloc (09022015). Collection method: clinical testing. Allele origin: germline.
Comment: This sequence change replaces isoleucine, which is neutral and non-polar, with valine, which is neutral and non-polar, at codon 773 of the ANKRD26 protein (p.Ile773Val). This variant is present in population databases (rs769321217, gnomAD 0.01%). This variant has not been reported in the literature in individuals affected with ANKRD26-related conditions. ClinVar contains an entry for this variant (Variation ID: 2978504). An algorithm developed to predict the effect of missense changes on protein structure and function outputs the following: PolyPhen-2: "Benign". The valine amino acid residue is found in multiple mammalian species, which suggests that this missense change does not adversely affect protein function. In summary, the available evidence is currently insufficient to determine the role of this variant in disease. Therefore, it has been classified as a Variant of Uncertain Significance.

Ambry Genetics
Classification: Likely benign for Inborn genetic diseases. Last evaluated: 2025-07-28. Review status: criteria provided, single submitter. Criteria: Ambry Variant Classification Scheme 2023. Collection method: clinical testing. Allele origin: germline.

NM_014915.3(ANKRD26):c.2317A>G (p.Ile773Val)

Gene: ANKRD26 (ankyrin repeat domain 26; minus strand). Cytogenetic location: 10p12.1.
Variant type: single nucleotide variant.
Coding change: c.2317A>G on transcript NM_014915.3 (MANE Select); coding-DNA position 2317, A replaced by G.
Protein change: p.Ile773Val; replaces isoleucine 773 with valine.
Molecular consequence: missense variant.
Genome position (GRCh38, 1-based): chr10:27,040,023, T>C on the plus strand (A>G on the coding strand, the complement: ANKRD26 is on the minus strand). VCF-style: chr10-27040023-T-C. GRCh37 (hg19) VCF-style: chr10-27328952-T-C.
Other names: c.2314A>G, p.Ile772Val (NM_001256053.2); short protein forms I773V, I772V.
Identifiers: ClinVar variation 2978504 (VCV002978504.4), dbSNP rs769321217, ClinGen allele CA5448255.